The following is an entry in ClinVar:

ClinVar aggregate classification (germline): Uncertain significance (1 of 4 stars; one submission).

gnomAD v4.1: 1 of 1,596,096 alleles (0.000063%); highest among the groups gnomAD compares: Non-Finnish European, 0.000085%; no homozygotes.

Submission:

GeneDx
Classification: Uncertain significance. Last evaluated: 2024-02-06. Review status: criteria provided, single submitter. Criteria: GeneDx Variant Classification Process June 2021. Collection method: clinical testing. Allele origin: germline. Affected: yes.
Comment: Not observed at significant frequency in large population cohorts (gnomAD); In silico analysis supports that this missense variant does not alter protein structure/function; Has not been previously published as pathogenic or benign to our knowledge

NM_006265.3(RAD21):c.788A>T (p.Asp263Val)

Gene: RAD21 (RAD21 cohesin complex component; minus strand). Cytogenetic location: 8q24.11.
Variant type: single nucleotide variant.
Coding change: c.788A>T on transcript NM_006265.3 (MANE Select); coding-DNA position 788, A replaced by T.
Protein change: p.Asp263Val; replaces aspartic acid 263 with valine.
Molecular consequence: missense variant.
Genome position (GRCh38, 1-based): chr8:116,856,672, T>A on the plus strand (A>T on the coding strand, the complement: RAD21 is on the minus strand). VCF-style: chr8-116856672-T-A. GRCh37 (hg19) VCF-style: chr8-117868911-T-A.
Other names: short protein forms D263V.
Identifiers: ClinVar variation 3368956 (VCV003368956.1).